The following is an entry in ClinVar:

NM_206937.2(LIG4):c.2239T>C (p.Cys747Arg)

Gene: LIG4 (DNA ligase 4; minus strand). Cytogenetic location: 13q33.3.
Variant type: single nucleotide variant.
Coding change: c.2239T>C on transcript NM_206937.2 (MANE Select); coding-DNA position 2239, T replaced by C.
Protein change: p.Cys747Arg; replaces cysteine 747 with arginine.
Molecular consequence: missense variant.
Genome position (GRCh38, 1-based): chr13:108,209,030, A>G on the plus strand (T>C on the coding strand, the complement: LIG4 is on the minus strand). VCF-style: chr13-108209030-A-G. GRCh37 (hg19) VCF-style: chr13-108861378-A-G.
Other names: c.2239T>C, p.Cys747Arg (NM_001098268.2, NM_001352598.2, NM_001352599.2 and 6 more transcripts); c.2038T>C, p.Cys680Arg (NM_001330595.2); c.2275T>C, p.Cys759Arg (NM_001352604.2); short protein forms C680R, C747R, C759R.
Identifiers: ClinVar variation 863554 (VCV000863554.9), dbSNP rs1878262100, ClinGen allele CA388613710.

ClinVar aggregate classification (germline): Uncertain significance (1 of 4 stars; one submission).

Conditions:
DNA ligase IV deficiency. Identifiers: Orphanet 99812, MedGen C1847827, MONDO:0011686, OMIM 606593.

Allele frequency attached by ClinVar (database versions not stated): gnomAD exomes below 0.00001.
gnomAD v4.1: 1 of 1,614,162 alleles (0.000062%); highest among the groups gnomAD compares: Non-Finnish European, 0.000085%; no homozygotes.

Submission:

Labcorp Genetics (formerly Invitae), Labcorp
Classification: Uncertain significance for DNA ligase IV deficiency. Last evaluated: 2019-11-18. Review status: criteria provided, single submitter. Criteria: Invitae Variant Classification Sherloc (09022015). Collection method: clinical testing. Allele origin: germline.
Comment: In summary, the available evidence is currently insufficient to determine the role of this variant in disease. Therefore, it has been classified as a Variant of Uncertain Significance. Algorithms developed to predict the effect of missense changes on protein structure and function (SIFT, PolyPhen-2, Align-GVGD) all suggest that this variant is likely to be tolerated, but these predictions have not been confirmed by published functional studies and their clinical significance is uncertain. This variant has not been reported in the literature in individuals with LIG4-related conditions. This variant is not present in population databases (ExAC no frequency). This sequence change replaces cysteine with arginine at codon 747 of the LIG4 protein (p.Cys747Arg). The cysteine residue is weakly conserved and there is a large physicochemical difference between cysteine and arginine.